The following is an entry in ClinVar:

NM_001042492.3(NF1):c.1258A>G (p.Asn420Asp)

Gene: NF1 (neurofibromin 1; plus strand). Cytogenetic location: 17q11.2.
Variant type: single nucleotide variant.
Coding change: c.1258A>G on transcript NM_001042492.3 (MANE Select); coding-DNA position 1258, A replaced by G.
Protein change: p.Asn420Asp; replaces asparagine 420 with aspartic acid.
Molecular consequence: missense variant.
Genome position (GRCh38, 1-based): chr17:31,201,483, A>G. VCF-style: chr17-31201483-A-G. GRCh37 (hg19) VCF-style: chr17-29528501-A-G.
Other names: c.1258A>G, p.Asn420Asp (NM_000267.4, NM_001128147.3); short protein forms N420D.
Identifiers: ClinVar variation 1762288 (VCV001762288.2), dbSNP rs2066529281, ClinGen allele CA398997788.

ClinVar aggregate classification (germline): Uncertain significance (1 of 4 stars; one submission).

Conditions:
Cardiovascular phenotype. Identifiers: MedGen CN230736.
Hereditary cancer-predisposing syndrome. Also called: Neoplastic Syndromes, Hereditary; Tumor predisposition; Hereditary Cancer Syndrome; Hereditary neoplastic syndrome. Identifiers: Orphanet 140162, MedGen C0027672, MeSH D009386, MONDO:0015356.

Allele frequency attached by ClinVar (database versions not stated): gnomAD exomes below 0.00001.
gnomAD v4.1: 1 of 1,609,728 alleles (0.000062%); highest among the groups gnomAD compares: Non-Finnish European, 0.000085%; no homozygotes.

Submission:

Ambry Genetics
Classification: Uncertain significance for Cardiovascular phenotype; Hereditary cancer-predisposing syndrome. Last evaluated: 2022-05-20. Review status: criteria provided, single submitter. Criteria: Ambry Variant Classification Scheme 2023. Collection method: clinical testing. Allele origin: germline.
Comment: The p.N420D variant (also known as c.1258A>G), located in coding exon 11 of the NF1 gene, results from an A to G substitution at nucleotide position 1258. The asparagine at codon 420 is replaced by aspartic acid, an amino acid with highly similar properties. This amino acid position is conserved. In addition, this alteration is predicted to be tolerated by in silico analysis. Since supporting evidence is limited at this time, the clinical significance of this alteration remains unclear.